The following is an entry in ClinVar:

ClinVar aggregate classification (germline): Uncertain significance (1 of 4 stars; one submission).

gnomAD v4.1: 1 of 1,560,288 alleles (0.000064%); no homozygotes.

Submission:

Ambry Genetics
Classification: Uncertain significance. Last evaluated: 2022-03-16. Review status: criteria provided, single submitter. Criteria: Ambry Variant Classification Scheme 2023. Collection method: clinical testing. Allele origin: germline.
Comment: The p.K2132Q variant (also known as c.6394A>C), located in coding exon 48 of the PRKDC gene, results from an A to C substitution at nucleotide position 6394. The lysine at codon 2132 is replaced by glutamine, an amino acid with similar properties. This amino acid position is conserved. In addition, the in silico prediction for this alteration is inconclusive. Since supporting evidence is limited at this time, the clinical significance of this alteration remains unclear.

NM_006904.7(PRKDC):c.6394A>C (p.Lys2132Gln)

Gene: PRKDC (protein kinase, DNA-activated, catalytic subunit; minus strand). Cytogenetic location: 8q11.21.
Variant type: single nucleotide variant.
Coding change: c.6394A>C on transcript NM_006904.7 (MANE Select); coding-DNA position 6394, A replaced by C.
Protein change: p.Lys2132Gln; replaces lysine 2132 with glutamine.
Molecular consequence: missense variant.
Genome position (GRCh38, 1-based): chr8:47,858,587, T>G on the plus strand (A>C on the coding strand, the complement: PRKDC is on the minus strand). VCF-style: chr8-47858587-T-G. GRCh37 (hg19) VCF-style: chr8-48771148-T-G.
Other names: c.6394A>C, p.Lys2132Gln (NM_001081640.2); short protein forms K2132Q.
Identifiers: ClinVar variation 1753244 (VCV001753244.2), dbSNP rs2551869979, ClinGen allele CA371160667.